The following is an entry in ClinVar:

NM_000551.4(VHL):c.538A>G (p.Ile180Val)

Genes: VHL (von Hippel-Lindau tumor suppressor; plus strand), LOC107303340 (3p25 von Hippel-Lindau tumor suppressor, E3 ubiquitin protein ligase Alu-mediated recombination region; plus strand). Cytogenetic location: 3p25.3.
Variant type: single nucleotide variant.
Coding change: c.538A>G on transcript NM_000551.4 (MANE Select); coding-DNA position 538, A replaced by G.
Protein change: p.Ile180Val; replaces isoleucine 180 with valine.
Molecular consequence: missense variant. On other transcripts: 3 prime UTR variant (1).
Genome position (GRCh38, 1-based): chr3:10,149,861, A>G. VCF-style: chr3-10149861-A-G. GRCh37 (hg19) VCF-style: chr3-10191545-A-G.
Other names: c.*92A>G (NM_001354723.2); c.415A>G, p.Ile139Val (NM_198156.3); short protein forms I180V, I139V.
Identifiers: ClinVar variation 161401 (VCV000161401.29), dbSNP rs377715747, ClinGen allele CA020469.

ClinVar aggregate classification (germline): Uncertain significance. Review status: criteria provided, multiple submitters, no conflicts (2 of 4 stars). 12 submissions from 12 submitters: Uncertain significance (10). 2 of the submissions do not count toward it. Last evaluated 2026-10-01.

Conditions:
Chuvash polycythemia. Also called: POLYCYTHEMIA, VHL-DEPENDENT. Identifiers: Orphanet 238557, MedGen C1837915, MONDO:0009892, OMIM 263400.
Von Hippel-Lindau syndrome (VHLS). Also called: von Hippel–Lindau syndrome; VHL syndrome; Von Hippel-Lindau. Identifiers: Orphanet 892, MedGen C0019562, MONDO:0008667, OMIM 193300. Disease mechanism: loss of function.
Hereditary cancer-predisposing syndrome. Also called: Neoplastic Syndromes, Hereditary; Tumor predisposition; Hereditary neoplastic syndrome; Hereditary Cancer Syndrome. Identifiers: Orphanet 140162, MedGen C0027672, MeSH D009386, MONDO:0015356.
Enchondromatosis. Also called: DYSCHONDROPLASIA; Ollier disease; ENCHONDROMATOSIS, MULTIPLE, OLLIER TYPE; Multiple cartilaginous enchondroses; Multiple enchondromatosis. Identifiers: Orphanet 296, MedGen C0014084, MONDO:0008145, OMIM 166000, HP:0005701.

Allele frequency attached by ClinVar (database versions not stated): ExAC 0.00001; gnomAD 0.00001; gnomAD exomes 0.00001 and 0.00003; TOPMed 0.00003; ESP Exome Variant Server 0.00008.
gnomAD v4.1: 52 of 1,614,114 alleles (0.0032%); highest among the groups gnomAD compares: Non-Finnish European, 0.0039%; no homozygotes.

Submissions (12):

St. Jude Molecular Pathology, St. Jude Children's Research Hospital
Classification: Uncertain significance for Von Hippel-Lindau syndrome. Last evaluated: 2026-10-01. Review status: criteria provided, single submitter. Criteria: St. Jude Assertion Criteria 2020. Collection method: clinical testing. Allele origin: germline.
Comment: The VHL c.538A>G p.(Ile180Val) missense change has a maximum subpopulation frequency of 0.002% in gnomAD v2.1.1. The in silico tool REVEL predicts a deleterious effect on protein function. This variant was reported to behave similar to wildtype in a functional study (PMID: 21715564). This variant has been reported in individuals with phenotypes associated with Von Hippel-Lindau disease (PMID: 7987306, 17024664). In summa ry, the evidence currently available is insufficient to determine the role of this variant in disease. It has therefore been classified as of uncertain significance.

Women's Health and Genetics/Laboratory Corporation of America, LabCorp
Classification: Uncertain significance. Last evaluated: 2025-10-03. Review status: criteria provided, single submitter. Criteria: LabCorp Variant Classification Summary - May 2015. Collection method: clinical testing. Allele origin: germline.
Comment: Variant summary: VHL c.538A>G (p.Ile180Val) results in a conservative amino acid change located in the von Hippel-Lindau disease tumour suppressor, beta/alpha domain (IPR022772) of the encoded protein sequence. Algorithms developed to predict the effect of missense changes on protein structure and function are either unavailable or do not agree on the potential impact of this missense change. The variant allele was found at a frequency of 8e-06 in 251436 control chromosomes (gnomAD). The available data on variant occurrences in the general population are insufficient to allow any conclusion about variant significance. c.538A>G has been reported in the literature in individuals with a diagnosis of von Hipple-Lindau syndrome (VHL) (examples: Crossey_1994, Zbar_1996, Neuman_1998, Ong_2007, Koeller_2025) and Ollier disease (Poll_VHL_Plos Gen_2022). These reports do not provide unequivocal conclusions about association of the variant with Congenital Polycythemia. Using a HIF (1/2)alpha GFP reporter assay one study have shown that this missense change does not substantially affect VHL function (Rechsteiner_ 2011). The following publications have been ascertained in the context of this evaluation (PMID: 7987306, 40647474, 9681856, 17024664, 36480544, 21715564, 10088816, 8956040). ClinVar contains an entry for this variant (Variation ID: 161401). Based on the evidence outlined above, the variant was classified as uncertain significance.

Genomic Medicine Center of Excellence, King Faisal Specialist Hospital and Research Centre
Classification: Uncertain significance for Chuvash polycythemia. Last evaluated: 2025-09-10. Review status: criteria provided, single submitter. Criteria: ACMG Guidelines, 2015. Collection method: clinical testing. Allele origin: germline.

Ambry Genetics
Classification: Uncertain significance for Hereditary cancer-predisposing syndrome. Last evaluated: 2025-07-17. Review status: criteria provided, single submitter. Criteria: Ambry Variant Classification Scheme 2023. Collection method: clinical testing. Allele origin: germline.
Comment: The p.I180V variant (also known as c.538A>G), located in coding exon 3 of the VHL gene, results from an A to G substitution at nucleotide position 538. The isoleucine at codon 180 is replaced by valine, an amino acid with highly similar properties. This alteration has been reported in an individual with a diagnosis of von Hipple-Lindau syndrome (VHL) (Crossey PA et al. Hum. Mol. Genet. 1994 Aug;3:1303-8; Zbar B et al. Hum. Mutat. 1996;8:348-57), as well as an individual with renal cell carcinoma (Ong KR et al. Hum. Mutat., 2007 Feb;28:143-9). However, a functional analysis has shown this alteration does not alter downstream protein complexes regulated by VHL protein and behaves as wild type VHL protein (Rechsteiner MP et al. Cancer Res. 2011 Aug;71:5500-11). This variant has also been detected in multiple individuals with no reported features of VHL-associated disease (Ambry internal data). This amino acid position is highly conserved in available vertebrate species. In addition, this alteration is predicted to be deleterious by in silico analysis. Based on the available evidence, the clinical significance of this variant remains unclear.

Labcorp Genetics (formerly Invitae), Labcorp
Classification: Uncertain significance for Von Hippel-Lindau syndrome; Chuvash polycythemia. Last evaluated: 2025-02-04. Review status: criteria provided, single submitter. Criteria: Invitae Variant Classification Sherloc (09022015). Collection method: clinical testing. Allele origin: germline.
Comment: This sequence change replaces isoleucine, which is neutral and non-polar, with valine, which is neutral and non-polar, at codon 180 of the VHL protein (p.Ile180Val). This variant is present in population databases (rs377715747, gnomAD 0.003%). This missense change has been observed in individual(s) with von Hipple-Lindau (VHL) disease (PMID: 7987306, 9681856, 17024664, 19408298). This variant is also known as 751A>G, Ile251Val. ClinVar contains an entry for this variant (Variation ID: 161401). Invitae Evidence Modeling of protein sequence and biophysical properties (such as structural, functional, and spatial information, amino acid conservation, physicochemical variation, residue mobility, and thermodynamic stability) indicates that this missense variant is expected to disrupt VHL protein function with a positive predictive value of 95%. Experimental studies have shown that this missense change does not substantially affect VHL function (PMID: 21715564). In summary, the available evidence is currently insufficient to determine the role of this variant in disease. Therefore, it has been classified as a Variant of Uncertain Significance.

Color Diagnostics, LLC DBA Color Health
Classification: Uncertain significance for Von Hippel-Lindau syndrome. Last evaluated: 2024-08-02. Review status: criteria provided, single submitter. Criteria: ACMG Guidelines, 2015. Collection method: clinical testing. Allele origin: germline.
Comment: This missense variant replaces isoleucine with valine at codon 180 of the VHL protein. Computational prediction suggests that this variant may have deleterious impact on protein structure and function. A functional study has shown this variant has a slightly decreased ability to degrade HIF1a and HIF2a compared with wild-type VHL (PMID: 21715564). This variant has been reported in individuals affected with von Hippel-Lindau disease and renal cell carcinoma (PMID: 7987306, 8956040, 10088816). This variant has been identified in 3/282844 chromosomes in the general population by the Genome Aggregation Database (gnomAD). The available evidence is insufficient to determine the role of this variant in disease conclusively. Therefore, this variant is classified as a Variant of Uncertain Significance.

GeneDx
Classification: Uncertain significance. Last evaluated: 2024-06-10. Review status: criteria provided, single submitter. Criteria: GeneDx Variant Classification Process June 2021. Collection method: clinical testing. Allele origin: germline. Affected: yes.
Comment: Not observed at significant frequency in large population cohorts (gnomAD); Published functional studies are inconclusive: decreased ability to degrade HIF2a, but thermodynamic stability and degradation of HIF1a similar to wildtype (PMID: 21715564); Observed in individuals with suspected VHL disease (PMID: 7987306, 17024664); Identified in an individual with Ollier disease (PMID: 36480544); In silico analysis indicates that this missense variant does not alter protein structure/function; Also reported as 751A>G (Ile251Val); This variant is associated with the following publications: (PMID: 23606570, 26659599, 25637381, 8956040, 9681856, 19408298, 24969085, 20151405, 26206375, 20978146, 27530247, 28166483, 17024664, 7987306, 21715564, 36480544, 37937776)

Institute of Immunology and Genetics Kaiserslautern
Classification: Uncertain significance for Von Hippel-Lindau syndrome. Last evaluated: 2023-08-28. Review status: criteria provided, single submitter. Criteria: ACMG Guidelines, 2015. Collection method: clinical testing. Allele origin: germline. Affected: yes.
Comment: ACMG Criteria: PM1, PM2, PP3; Variant was found in a heterozygous state

Mendelics
Classification: Uncertain significance for Von Hippel-Lindau syndrome. Last evaluated: 2023-04-11. Review status: criteria provided, single submitter. Criteria: Mendelics Assertion Criteria 2017. Collection method: clinical testing. Allele origin: unknown.

Sema4
Classification: Uncertain significance for Hereditary cancer-predisposing syndrome. Last evaluated: 2022-02-10. Review status: criteria provided, single submitter. Criteria: Sema4 Curation Guidelines. Collection method: curation. Allele origin: germline.
Comment: The VHL c.538A>G (p.I180V) variant has been reported in at least 3 individuals with von Hippel-Lindau (VHL) disease (PMID: 8956040, 7987306, 17024664). The variant was also detected in a family, in 3 affected family members (PMID: 10088816). It was observed in 3/129172 chromosomes of the Non-Finnish European subpopulation in the large and broad cohorts of the Genome Aggregation Database (PMID: 32461654). The variant has been reported in ClinVar (Variation ID 161401). In silico tools suggest the impact of the variant on protein function is deleterious, though a functional study demonstrated the normal function of the protein (PMID: 21715564). The evidence is insufficient to meet ACMG/AMP criteria for classifying the variant as benign or pathogenic. Thus, the clinical significance of this variant is currently uncertain.

CSER _CC_NCGL, University of Washington
Classification: Likely benign for Von Hippel-Lindau syndrome. Last evaluated: 2014-06-01. Review status: flagged submission. Collection method: research. Allele origin: germline. Inheritance: Autosomal dominant inheritance. Study: ESP 6500 variant annotation. Not counted in ClinVar's aggregate classification.
Comment: Variants classified for the Actionable exomic incidental findings in 6503 participants: challenges of variant classification manuscript
ClinVar note: Reason: Outlier claim with insufficient supporting evidence

Baylor-Hopkins Center for Mendelian Genomics, Johns Hopkins University School of Medicine
Classification: Likely pathogenic for Enchondromatosis. Review status: flagged submission. Criteria: ACMG Guidelines, 2015. Collection method: research. Allele origin: unknown. Affected: yes. Observed: 1 heterozygote. Not counted in ClinVar's aggregate classification.
ClinVar note: Reason: Outlier claim with insufficient supporting evidence

Literature cited by the submitters: PubMed 7987306 (cited by 5 submitters); PubMed 9681856 (cited by Women's Health and Genetics/Laboratory Corporation of America, LabCorp and Labcorp Genetics (formerly Invitae), Labcorp); PubMed 10088816 (cited by 3 submitters); PubMed 8956040 (cited by 4 submitters); PubMed 17024664 (cited by 4 submitters); PubMed 21715564 (cited by 5 submitters); PubMed 36480544 (cited by Women's Health and Genetics/Laboratory Corporation of America, LabCorp); PubMed 40647474 (cited by Women's Health and Genetics/Laboratory Corporation of America, LabCorp); PubMed 19408298 (cited by Ambry Genetics and Labcorp Genetics (formerly Invitae), Labcorp); PubMed 20151405 (cited by Ambry Genetics); PubMed 24969085 (cited by Ambry Genetics); PubMed 25637381 (cited by Ambry Genetics).